The following is an entry in ClinVar:

NM_000944.5(PPP3CA):c.853G>C (p.Asp285His)

Gene: PPP3CA (protein phosphatase 3 catalytic subunit alpha; minus strand). Cytogenetic location: 4q24.
Variant type: single nucleotide variant.
Coding change: c.853G>C on transcript NM_000944.5 (MANE Select); coding-DNA position 853, G replaced by C.
Protein change: p.Asp285His; replaces aspartic acid 285 with histidine.
Molecular consequence: missense variant.
Genome position (GRCh38, 1-based): chr4:101,083,193, C>G on the plus strand (G>C on the coding strand, the complement: PPP3CA is on the minus strand). VCF-style: chr4-101083193-C-G. GRCh37 (hg19) VCF-style: chr4-102004350-C-G.
Other names: c.853G>C, p.Asp285His (NM_001130691.2, NM_001130692.2); short protein forms D285H.
Identifiers: ClinVar variation 2132425 (VCV002132425.4), dbSNP rs2476302395, ClinGen allele CA357948389.

ClinVar aggregate classification (germline): Uncertain significance (1 of 4 stars; one submission).

Submission:

Labcorp Genetics (formerly Invitae), Labcorp
Classification: Uncertain significance. Last evaluated: 2022-05-04. Review status: criteria provided, single submitter. Criteria: Invitae Variant Classification Sherloc (09022015). Collection method: clinical testing. Allele origin: germline.
Comment: In summary, the available evidence is currently insufficient to determine the role of this variant in disease. Therefore, it has been classified as a Variant of Uncertain Significance. Algorithms developed to predict the effect of missense changes on protein structure and function are either unavailable or do not agree on the potential impact of this missense change (SIFT: "Deleterious"; PolyPhen-2: "Probably Damaging"; Align-GVGD: "Class C0"). This variant has not been reported in the literature in individuals affected with PPP3CA-related conditions. This variant is not present in population databases (gnomAD no frequency). This sequence change replaces aspartic acid, which is acidic and polar, with histidine, which is basic and polar, at codon 285 of the PPP3CA protein (p.Asp285His).